The following is an entry in ClinVar:

ClinVar aggregate classification (germline): Uncertain significance. Review status: criteria provided, multiple submitters, no conflicts (2 of 4 stars). 2 submissions from 2 submitters: Uncertain significance (2). Last evaluated 2025-02-04.

Conditions:
Cardiovascular phenotype. Identifiers: MedGen CN230736.
Dilated cardiomyopathy 1JJ (CMD1JJ). Identifiers: Orphanet 154, MedGen C3808935, MONDO:0014095, OMIM 615235.

Allele frequency attached by ClinVar (database versions not stated): gnomAD exomes below 0.00001.
gnomAD v4.1: 3 of 1,614,186 alleles (0.00019%); highest among the groups gnomAD compares: Non-Finnish European, 0.00025%; no homozygotes.

Submissions (2):

Ambry Genetics
Classification: Uncertain significance for Cardiovascular phenotype. Last evaluated: 2025-02-04. Review status: criteria provided, single submitter. Criteria: Ambry Variant Classification Scheme 2023. Collection method: clinical testing. Allele origin: germline.
Comment: The p.W920R variant (also known as c.2758T>C), located in coding exon 20 of the LAMA4 gene, results from a T to C substitution at nucleotide position 2758. The tryptophan at codon 920 is replaced by arginine, an amino acid with dissimilar properties. This amino acid position is conserved. In addition, this alteration is predicted to be deleterious by in silico analysis. Based on the available evidence, the clinical significance of this variant remains unclear.

Labcorp Genetics (formerly Invitae), Labcorp
Classification: Uncertain significance for Dilated cardiomyopathy 1JJ. Last evaluated: 2024-04-22. Review status: criteria provided, single submitter. Criteria: Invitae Variant Classification Sherloc (09022015). Collection method: clinical testing. Allele origin: germline.
Comment: This sequence change replaces tryptophan, which is neutral and slightly polar, with arginine, which is basic and polar, at codon 920 of the LAMA4 protein (p.Trp920Arg). This variant is not present in population databases (gnomAD no frequency). This variant has not been reported in the literature in individuals affected with LAMA4-related conditions. ClinVar contains an entry for this variant (Variation ID: 1721509). An algorithm developed to predict the effect of missense changes on protein structure and function (PolyPhen-2) suggests that this variant is likely to be disruptive. In summary, the available evidence is currently insufficient to determine the role of this variant in disease. Therefore, it has been classified as a Variant of Uncertain Significance.

NM_001105206.3(LAMA4):c.2779T>C (p.Trp927Arg)

Genes: LAMA4 (laminin subunit alpha 4; minus strand), LOC126859766 (MED14-independent group 3 enhancer GRCh37_chr6:112462018-112463217; plus strand). Cytogenetic location: 6q21.
Variant type: single nucleotide variant.
Coding change: c.2779T>C on transcript NM_001105206.3 (MANE Select); coding-DNA position 2779, T replaced by C.
Protein change: p.Trp927Arg; replaces tryptophan 927 with arginine.
Molecular consequence: missense variant.
Genome position (GRCh38, 1-based): chr6:112,141,392, A>G on the plus strand (T>C on the coding strand, the complement: LAMA4 is on the minus strand). VCF-style: chr6-112141392-A-G. GRCh37 (hg19) VCF-style: chr6-112462594-A-G.
Other names: c.2758T>C, p.Trp920Arg (NM_001105207.3, NM_002290.5); short protein forms W920R, W927R.
Identifiers: ClinVar variation 1721509 (VCV001721509.7), dbSNP rs863223686, ClinGen allele CA365380135.